The following is an entry in ClinVar:

ClinVar aggregate classification (germline): Likely benign (1 of 4 stars; one submission).

Allele frequency attached by ClinVar (database versions not stated): ExAC 0.00001; gnomAD exomes 0.00001.
gnomAD v4.1: 11 of 1,613,808 alleles (0.00068%); highest among the groups gnomAD compares: Middle Eastern, 0.016%; no homozygotes.

Submission:

CeGaT Center for Human Genetics Tuebingen
Classification: Likely benign. Last evaluated: 2024-02-01. Review status: criteria provided, single submitter. Criteria: CeGaT Center For Human Genetics Tuebingen Variant Classification Criteria Version 2. Collection method: clinical testing. Allele origin: germline. Affected: yes. Observed: 1 variant allele.
Comment: HIVEP2: PM2:Supporting, BP4, BP5

NM_006734.4(HIVEP2):c.916G>A (p.Ala306Thr)

Gene: HIVEP2 (HIVEP zinc finger 2; minus strand). Cytogenetic location: 6q24.2.
Variant type: single nucleotide variant.
Coding change: c.916G>A on transcript NM_006734.4 (MANE Select); coding-DNA position 916, G replaced by A.
Protein change: p.Ala306Thr; replaces alanine 306 with threonine.
Molecular consequence: missense variant.
Genome position (GRCh38, 1-based): chr6:142,773,823, C>T on the plus strand (G>A on the coding strand, the complement: HIVEP2 is on the minus strand). VCF-style: chr6-142773823-C-T. GRCh37 (hg19) VCF-style: chr6-143094960-C-T.
Other names: short protein forms A306T.
Identifiers: ClinVar variation 3025967 (VCV003025967.22), dbSNP rs766319052, ClinGen allele CA4028674.